The following is an entry in ClinVar:

ClinVar aggregate classification (germline): Likely benign. Review status: criteria provided, multiple submitters, no conflicts (2 of 4 stars). 3 submissions from 3 submitters: Likely benign (3). Last evaluated 2024-04-24.

Conditions:
Inborn genetic diseases. Identifiers: MedGen C0950123, MeSH D030342.

Allele frequency attached by ClinVar (database versions not stated): gnomAD 0.00002 and 0.00003; gnomAD exomes 0.00002 and 0.00003; TOPMed 0.00005.
gnomAD v4.1: 45 of 1,613,748 alleles (0.0028%); highest among the groups gnomAD compares: Admixed American, 0.01%; no homozygotes.

Submissions (3):

Labcorp Genetics (formerly Invitae), Labcorp
Classification: Likely benign. Last evaluated: 2024-04-24. Review status: criteria provided, single submitter. Criteria: Invitae Variant Classification Sherloc (09022015). Collection method: clinical testing. Allele origin: germline.

Ambry Genetics
Classification: Likely benign for Inborn genetic diseases. Last evaluated: 2023-11-15. Review status: criteria provided, single submitter. Criteria: Ambry Variant Classification Scheme 2023. Collection method: clinical testing. Allele origin: germline.

GeneDx
Classification: Likely benign. Last evaluated: 2021-04-06. Review status: criteria provided, single submitter. Criteria: GeneDx Variant Classification Process June 2021. Collection method: clinical testing. Allele origin: germline. Affected: yes.
Comment: This variant is associated with the following publications: (PMID: 34145229)

NM_006015.6(ARID1A):c.2091G>A (p.Pro697=)

Gene: ARID1A (AT-rich interaction domain 1A; plus strand). Cytogenetic location: 1p36.11.
Variant type: single nucleotide variant.
Coding change: c.2091G>A on transcript NM_006015.6 (MANE Select); coding-DNA position 2091, G replaced by A.
Protein change: p.Pro697=; no amino-acid change (proline 697 retained).
Molecular consequence: synonymous variant.
Genome position (GRCh38, 1-based): chr1:26,761,026, G>A. VCF-style: chr1-26761026-G-A. GRCh37 (hg19) VCF-style: chr1-27087517-G-A.
Other names: c.2091G>A, p.Pro697= (NM_139135.4).
Identifiers: ClinVar variation 1325947 (VCV001325947.6), dbSNP rs990716737, ClinGen allele CA19796916.